The following is an entry in ClinVar:

ClinVar aggregate classification (germline): Likely benign. Review status: criteria provided, multiple submitters, no conflicts (2 of 4 stars). 3 submissions from 3 submitters: Likely benign (3). Last evaluated 2025-08-01.

Allele frequency attached by ClinVar (database versions not stated): gnomAD 0.00001; gnomAD exomes 0.00001; TOPMed 0.00001.

Submissions (3):

CeGaT Center for Human Genetics Tuebingen
Classification: Likely benign. Last evaluated: 2025-08-01. Review status: criteria provided, single submitter. Criteria: CeGaT Center For Human Genetics Tuebingen Variant Classification Criteria Version 2. Collection method: clinical testing. Allele origin: germline. Affected: yes. Observed: 1 variant allele.
Comment: RECQL: BP4, BP7

Labcorp Genetics (formerly Invitae), Labcorp
Classification: Likely benign. Last evaluated: 2025-06-16. Review status: criteria provided, single submitter. Criteria: Invitae Variant Classification Sherloc (09022015). Collection method: clinical testing. Allele origin: germline.

Ambry Genetics
Classification: Likely benign. Last evaluated: 2022-09-11. Review status: criteria provided, single submitter. Criteria: Ambry Variant Classification Scheme 2023. Collection method: clinical testing. Allele origin: germline.

NM_002907.4(RECQL):c.1254C>T (p.Tyr418=)

Gene: RECQL (RecQ like helicase; minus strand). Cytogenetic location: 12p12.1.
Variant type: single nucleotide variant.
Coding change: c.1254C>T on transcript NM_002907.4 (MANE Select); coding-DNA position 1254, C replaced by T.
Protein change: p.Tyr418=; no amino-acid change (tyrosine 418 retained).
Molecular consequence: synonymous variant.
Genome position (GRCh38, 1-based): chr12:21,474,942, G>A on the plus strand (C>T on the coding strand, the complement: RECQL is on the minus strand). VCF-style: chr12-21474942-G-A. GRCh37 (hg19) VCF-style: chr12-21627876-G-A.
Other names: c.1254C>T, p.Tyr418= (NM_032941.3).
Identifiers: ClinVar variation 1135794 (VCV001135794.19), dbSNP rs1227196235, ClinGen allele CA478870266.